The following is an entry in ClinVar:

NM_000642.3(AGL):c.3077T>C (p.Met1026Thr)

Gene: AGL (amylo-alpha-1,6-glucosidase and 4-alpha-glucanotransferase; plus strand). Cytogenetic location: 1p21.2.
Variant type: single nucleotide variant.
Coding change: c.3077T>C on transcript NM_000642.3 (MANE Select); coding-DNA position 3077, T replaced by C.
Protein change: p.Met1026Thr; replaces methionine 1026 with threonine.
Molecular consequence: missense variant.
Genome position (GRCh38, 1-based): chr1:99,891,733, T>C. VCF-style: chr1-99891733-T-C. GRCh37 (hg19) VCF-style: chr1-100357289-T-C.
Other names: c.3077T>C, p.Met1026Thr (NM_000028.3, NM_000643.3, NM_000644.3 and 1 more transcripts); c.3029T>C, p.Met1010Thr (NM_000646.3); c.3056T>C, p.Met1019Thr (NM_001425326.1); c.2876T>C, p.Met959Thr (NM_001425327.1); c.2873T>C, p.Met958Thr (NM_001425328.1); c.2738T>C, p.Met913Thr (NM_001425329.1); c.2699T>C, p.Met900Thr (NM_001425332.1); short protein forms M1026T, M1010T, M1019T, M900T, M913T, M958T, M959T.
Identifiers: ClinVar variation 642332 (VCV000642332.7), dbSNP rs1570464667, ClinGen allele CA341326374.
Genomic context (GRCh38, chr1:99,891,733, plus strand): 5'-ACTTTGATGCTATATTAATTGGTGCATATACCACTCTTCTGGATACAGCATGGAAGCAGA[T>C]GTCAAGGTATATCCAACAAAGCTTGAATAAATGGGCATATCTGTGTTGAAACTATATACA-3'
Protein context (NP_000633.2, residues 1016-1036): TTLLDTAWKQ[Met1026Thr]SSFVQNGSTF

ClinVar aggregate classification (germline): Uncertain significance. Review status: criteria provided, multiple submitters, no conflicts (2 of 4 stars). 2 submissions from 2 submitters: Uncertain significance (2). Last evaluated 2025-03-18.

Conditions:
Inborn genetic diseases. Identifiers: MedGen C0950123, MeSH D030342.
Glycogen storage disease type III (GSD3). Also called: FORBES DISEASE; Cori disease. Identifiers: Orphanet 366, MedGen C0017922, MONDO:0009291, OMIM 232400.

Allele frequency attached by ClinVar (database versions not stated): gnomAD exomes below 0.00001.

Submissions (2):

Ambry Genetics
Classification: Uncertain significance for Inborn genetic diseases. Last evaluated: 2025-03-18. Review status: criteria provided, single submitter. Criteria: Ambry Variant Classification Scheme 2023. Collection method: clinical testing. Allele origin: germline.

Labcorp Genetics (formerly Invitae), Labcorp
Classification: Uncertain significance for Glycogen storage disease type III. Last evaluated: 2021-08-20. Review status: criteria provided, single submitter. Criteria: Invitae Variant Classification Sherloc (09022015). Collection method: clinical testing. Allele origin: germline.
Comment: This sequence change replaces methionine with threonine at codon 1026 of the AGL protein (p.Met1026Thr). The methionine residue is highly conserved and there is a moderate physicochemical difference between methionine and threonine. This variant is not present in population databases (ExAC no frequency). This variant has not been reported in the literature in individuals affected with AGL-related conditions. Algorithms developed to predict the effect of missense changes on protein structure and function are either unavailable or do not agree on the potential impact of this missense change (SIFT: "Deleterious"; PolyPhen-2: "Possibly Damaging"; Align-GVGD: "Class C0"). In summary, the available evidence is currently insufficient to determine the role of this variant in disease. Therefore, it has been classified as a Variant of Uncertain Significance.